The following is an entry in ClinVar:

NM_020911.2(PLXNA4):c.3838A>C (p.Asn1280His)

Gene: PLXNA4 (plexin A4; minus strand). Cytogenetic location: 7q32.3.
Variant type: single nucleotide variant.
Coding change: c.3838A>C on transcript NM_020911.2 (MANE Select); coding-DNA position 3838, A replaced by C.
Protein change: p.Asn1280His; replaces asparagine 1280 with histidine.
Molecular consequence: missense variant.
Genome position (GRCh38, 1-based): chr7:132,179,723, T>G on the plus strand (A>C on the coding strand, the complement: PLXNA4 is on the minus strand). VCF-style: chr7-132179723-T-G. GRCh37 (hg19) VCF-style: chr7-131864482-T-G.
Other names: c.3838A>C, p.Asn1280His (NM_001393897.1); short protein forms N1280H.
Identifiers: ClinVar variation 4986962 (VCV004986962.1).

ClinVar aggregate classification (germline): Uncertain significance (1 of 4 stars; one submission).

Conditions:
PLXNA4-related disorder. Also called: PLXNA4-related condition.

gnomAD v4.1: 3 of 1,614,116 alleles (0.00019%); highest among the groups gnomAD compares: Admixed American, 0.005%; no homozygotes.

Submission:

PreventionGenetics, part of Exact Sciences
Classification: Uncertain significance for PLXNA4-related condition. Last evaluated: 2025-12-12. Review status: criteria provided, single submitter. Criteria: ACMG Guidelines, 2015. Collection method: clinical testing. Allele origin: germline.
Comment: The PLXNA4 c.3838A>C variant is predicted to result in the amino acid substitution p.Asn1280His. To our knowledge, this variant has not been reported in the literature. This variant is reported in 0.0087% of alleles in individuals of Latino descent in gnomAD. At this time, the clinical significance of this variant is uncertain due to the absence of conclusive functional and genetic evidence.